The following is an entry in ClinVar:

ClinVar aggregate classification (germline): Likely pathogenic (1 of 4 stars; one submission).

Conditions:
Athabaskan severe combined immunodeficiency (SCIDA). Also called: Severe combined immunodeficiency, athabascan-type. Identifiers: MedGen C1865370.

Submission:

Natera, Inc.
Classification: Likely pathogenic for Athabascan severe combined immunodeficiency. Last evaluated: 2024-07-15. Review status: criteria provided, single submitter. Criteria: Natera Variant Classification Schema (03/2026). Collection method: clinical testing. Allele origin: germline.
Comment: The c.1624del variant in DCLRE1C is a frameshift variant predicted to shift the reading frame beginning at codon 542 and leads to a stop codon 2 codons downstream. This variant is expected to result in nonsense mediated decay, truncation, or a dysfunctional protein product. This variant is rare in the general population with a frequency below the threshold expected for the associated phenotype(s). Given the available evidence, this variant is classified as Likely Pathogenic.

NM_001033855.3(DCLRE1C):c.1624del (p.His542fs)

Gene: DCLRE1C (DNA cross-link repair 1C; minus strand). Cytogenetic location: 10p13.
Variant type: Deletion.
Coding change: c.1624del on transcript NM_001033855.3 (MANE Select); coding-DNA position 1624, one base deleted (C; older notation c.1624delC).
Protein change: p.His542fs; shifts the reading frame from histidine 542.
Molecular consequence: frameshift variant. On other transcripts: non-coding transcript variant (4).
Genome position (GRCh38, 1-based): chr10:14,908,863, G deleted on the plus strand (C on the coding strand, the reverse complement: DCLRE1C is on the minus strand). VCF-style (leftmost placement, unchanged base first): chr10-14908862-TG-T. GRCh37 (hg19) VCF-style: chr10-14950861-TG-T.
Other names: c.1264del, p.His422fs (NM_001033857.3, NM_001033858.3, NM_001289077.2 and 2 more transcripts); c.1279del, p.His427fs (NM_001289076.2, NM_001289078.2, NM_001350966.2 and 1 more transcripts); c.1624del, p.His542fs (NM_001350965.2); short protein forms H422fs, H427fs, H542fs.
Identifiers: ClinVar variation 4814547 (VCV004814547.1).
Genomic context (GRCh38, chr10:14,908,862, plus strand): 5'-GAAGATAACAAAACAGTATCAGATTGGCTGTCCCAGCCTTGACTTCCTTGTTCTGTTATG[TG>T]TGTTGACTGGGAAGAATTCTGGGAGGAGATGTGAGTTGATTCTCCATCAGAGTCACTGAA-3'